The following is an entry in ClinVar:

ClinVar aggregate classification (germline): Uncertain significance (1 of 4 stars; one submission).

Conditions:
Breast-ovarian cancer, familial, susceptibility to, 4. Identifiers: Orphanet 145, MedGen C3280345, MONDO:0013669, OMIM 614291.

Submission:

Labcorp Genetics (formerly Invitae), Labcorp
Classification: Uncertain significance for Breast-ovarian cancer, familial, susceptibility to, 4. Last evaluated: 2023-02-15. Review status: criteria provided, single submitter. Criteria: Invitae Variant Classification Sherloc (09022015). Collection method: clinical testing. Allele origin: germline.
Comment: This sequence change replaces isoleucine, which is neutral and non-polar, with methionine, which is neutral and non-polar, at codon 276 of the RAD51D protein (p.Ile276Met). This variant is not present in population databases (gnomAD no frequency). This variant has not been reported in the literature in individuals affected with RAD51D-related conditions. Advanced modeling of protein sequence and biophysical properties (such as structural, functional, and spatial information, amino acid conservation, physicochemical variation, residue mobility, and thermodynamic stability) performed at Invitae indicates that this missense variant is not expected to disrupt RAD51D protein function. In summary, the available evidence is currently insufficient to determine the role of this variant in disease. Therefore, it has been classified as a Variant of Uncertain Significance.

NM_002878.4(RAD51D):c.828T>G (p.Ile276Met)

Genes: RAD51L3-RFFL (RAD51L3-RFFL readthrough; minus strand), RAD51D (RAD51 paralog D; minus strand). Cytogenetic location: 17q12.
Variant type: single nucleotide variant.
Coding change: c.828T>G on transcript NM_002878.4 (MANE Select); coding-DNA position 828, T replaced by G.
Protein change: p.Ile276Met; replaces isoleucine 276 with methionine.
Molecular consequence: missense variant. On other transcripts: non-coding transcript variant (3).
Genome position (GRCh38, 1-based): chr17:35,101,276, A>C on the plus strand (T>G on the coding strand, the complement: RAD51D is on the minus strand). VCF-style: chr17-35101276-A-C. GRCh37 (hg19) VCF-style: chr17-33428295-A-C.
Other names: c.888T>G, p.Ile296Met (NM_001142571.2); c.492T>G, p.Ile164Met (NM_133629.3); short protein forms I276M, I164M, I296M.
Identifiers: ClinVar variation 2837650 (VCV002837650.3), dbSNP rs2142411641, ClinGen allele CA399086702.